The following is an entry in ClinVar:

NM_002427.4(MMP13):c.980G>C (p.Trp327Ser)

Gene: MMP13 (matrix metallopeptidase 13; minus strand). Cytogenetic location: 11q22.2.
Variant type: single nucleotide variant.
Coding change: c.980G>C on transcript NM_002427.4 (MANE Select); coding-DNA position 980, G replaced by C.
Protein change: p.Trp327Ser; replaces tryptophan 327 with serine.
Molecular consequence: missense variant.
Genome position (GRCh38, 1-based): chr11:102,949,096, C>G on the plus strand (G>C on the coding strand, the complement: MMP13 is on the minus strand). VCF-style: chr11-102949096-C-G. GRCh37 (hg19) VCF-style: chr11-102819825-C-G.
Other names: short protein forms W327S.
Identifiers: ClinVar variation 1716740 (VCV001716740.5), dbSNP rs2496455949, ClinGen allele CA382227777.

ClinVar aggregate classification (germline): Uncertain significance (1 of 4 stars; one submission).

Submission:

Labcorp Genetics (formerly Invitae), Labcorp
Classification: Uncertain significance. Last evaluated: 2022-08-19. Review status: criteria provided, single submitter. Criteria: Invitae Variant Classification Sherloc (09022015). Collection method: clinical testing. Allele origin: germline.
Comment: In summary, the available evidence is currently insufficient to determine the role of this variant in disease. Therefore, it has been classified as a Variant of Uncertain Significance. Algorithms developed to predict the effect of missense changes on protein structure and function (SIFT, PolyPhen-2, Align-GVGD) all suggest that this variant is likely to be disruptive. This variant has not been reported in the literature in individuals affected with MMP13-related conditions. This variant is not present in population databases (gnomAD no frequency). This sequence change replaces tryptophan, which is neutral and slightly polar, with serine, which is neutral and polar, at codon 327 of the MMP13 protein (p.Trp327Ser).